The following is an entry in ClinVar:

ClinVar aggregate classification (germline): Likely pathogenic. Review status: criteria provided, multiple submitters, no conflicts (2 of 4 stars). 2 submissions from 2 submitters: Likely pathogenic (2). Last evaluated 2025-01-15.

Conditions:
3-Methylglutaconic aciduria type 2 (BTHS). Also called: Barth syndrome; CARDIOSKELETAL MYOPATHY WITH NEUTROPENIA AND ABNORMAL MITOCHONDRIA. Identifiers: Orphanet 111, MedGen C0574083, MONDO:0010543, OMIM 302060.

Submissions (2):

KardioGenetik, Herz- und Diabeteszentrum NRW
Classification: Likely pathogenic for 3-Methylglutaconic aciduria type 2. Last evaluated: 2025-01-15. Review status: criteria provided, single submitter. Criteria: ACMG Guidelines, 2015. Collection method: clinical testing. Allele origin: unknown. Affected: yes. Observed: 1 variant allele.
Comment: The TAZ gene encodes for Tafazzin, a mitochondrial acyltransferase is involved in the biogenesis of cardiolipin. This phospholipid is located in the mitochondrial membrane, where it stabilizes proteins essential for oxidative phosphorylation. Variants in the TAZ gene cause Barth syndrome, an X-linked disorder with a highly variable phenotype, including dilated cardiomyopathy, hypertrophic cardiomyopathy, skeletal muscle myopathy, and neutropenia. The variant listed in the Human Gene Mutation Database (HGMD) was first described by Steward et al. (PMID: 20812380) in 2010 in a family with Barth syndrome. Data on the allele frequency of this variant in normal population cohorts is not available according to the gnomAD database. The assessment of the amino acid substitution Arg94Gly using the bioinformatic meta-prediction tool REVEL indicates it is harmful. Additionally, the pathogenicity of the variant is supported by the presence of other likely pathogenic or pathogenic amino acid substitutions at the same amino acid position. (PM5, PM2_supporting, PP3_moderate, PP4)

Molecular Diagnostics Lab, Nemours Children's Health, Delaware
Classification: Likely pathogenic for 3-Methylglutaconic aciduria type 2. Last evaluated: 2020-07-08. Review status: criteria provided, single submitter. Criteria: ACMG Guidelines, 2015. Collection method: clinical testing. Allele origin: maternal, unknown. Inheritance: X-linked inheritance. Affected: yes and no. Observed: 1 heterozygote, 1 hemizygote.

Literature cited by the submitters: PubMed 20812380 (cited by Molecular Diagnostics Lab, Nemours Children's Health, Delaware).

NM_000116.5(TAFAZZIN):c.280C>G (p.Arg94Gly)

Gene: TAFAZZIN (tafazzin, phospholipid-lysophospholipid transacylase; plus strand). Cytogenetic location: Xq28.
Variant type: single nucleotide variant.
Coding change: c.280C>G on transcript NM_000116.5 (MANE Select); coding-DNA position 280, C replaced by G.
Protein change: p.Arg94Gly; replaces arginine 94 with glycine.
Molecular consequence: missense variant. On other transcripts: non-coding transcript variant (1).
Genome position (GRCh38, 1-based): chrX:154,413,248, C>G. VCF-style: chrX-154413248-C-G. GRCh37 (hg19) VCF-style: chrX-153641585-C-G.
Other names: c.334C>G, p.Arg112Gly (NM_001303465.2, NM_001410698.1); c.280C>G, p.Arg94Gly (NM_181311.4, NM_181312.4, NM_181313.4); short protein forms R112G, R94G.
Identifiers: ClinVar variation 2506909 (VCV002506909.3), dbSNP rs104894942, ClinGen allele CA415180772.